The following is an entry in ClinVar:

NM_003060.4(SLC22A5):c.825G>A (p.Trp275Ter)

Gene: SLC22A5 (solute carrier family 22 member 5; plus strand). Cytogenetic location: 5q31.1.
Variant type: single nucleotide variant.
Coding change: c.825G>A on transcript NM_003060.4 (MANE Select); coding-DNA position 825, G replaced by A.
Protein change: p.Trp275Ter; replaces tryptophan 275 with a stop codon.
Molecular consequence: nonsense.
Genome position (GRCh38, 1-based): chr5:132,387,025, G>A. VCF-style: chr5-132387025-G-A. GRCh37 (hg19) VCF-style: chr5-131722717-G-A.
Other names: c.897G>A, p.Trp299Ter (NM_001308122.2); short protein forms W275*, W299*.
Identifiers: ClinVar variation 25397 (VCV000025397.15), dbSNP rs386134207, ClinGen allele CA342657.
Genomic context (GRCh38, chr5:132,387,025, plus strand): 5'-TGGTCTGTGGGTCTGCTGTTGGCAGGGAGGCCTCACTGAGATTGGACCTTGTACTGCCAG[G>A]TTCATCCCTGAGTCCCCCCGATGGCTCATCTCTCAGGGACGATTTGAAGAGGCAGAGGTG-3'

ClinVar aggregate classification (germline): Pathogenic/Likely pathogenic. Review status: criteria provided, multiple submitters, no conflicts (2 of 4 stars). 6 submissions from 6 submitters: Pathogenic (5); Likely pathogenic (1). Last evaluated 2026-01-20.

Conditions:
Carnitine deficiency. Identifiers: MedGen C1142132.
Renal carnitine transport defect (CDSP). Also called: Systemic primary carnitine deficiency; Carnitine transporter deficiency; Primary carnitine deficiency; Carnitine Deficiency, Systemic; Systemic primary carnitine deficiency disease; CARNITINE DEFICIENCY, SYSTEMIC, DUE TO DEFECT IN RENAL REABSORPTION OF CARNITINE. Identifiers: Orphanet 158, MedGen C0342788, MONDO:0008919, OMIM 212140.

Allele frequency attached by ClinVar (database versions not stated): ExAC 0.00001.

Submissions (6):

Labcorp Genetics (formerly Invitae), Labcorp
Classification: Pathogenic for Renal carnitine transport defect. Last evaluated: 2026-01-20. Review status: criteria provided, single submitter. Criteria: Invitae Variant Classification Sherloc (09022015). Collection method: clinical testing. Allele origin: germline.
Comment: This sequence change creates a premature translational stop signal (p.Trp275*) in the SLC22A5 gene. It is expected to result in an absent or disrupted protein product. Loss-of-function variants in SLC22A5 are known to be pathogenic (PMID: 9916797). This variant is present in population databases (rs386134207, gnomAD 0.01%). This premature translational stop signal has been observed in individual(s) with primary carnitine deficiency (PMID: 15714519). ClinVar contains an entry for this variant (Variation ID: 25397). For these reasons, this variant has been classified as Pathogenic.

Genesolutions, Medical Genetics Institutes, Ho Chi Minh City, Vietnam
Classification: Pathogenic for Renal carnitine transport defect. Last evaluated: 2025-09-24. Review status: criteria provided, single submitter. Criteria: ACMG Guidelines, 2015. Collection method: clinical testing. Allele origin: germline. Affected: yes.

Natera, Inc.
Classification: Pathogenic for Carnitine deficiency. Last evaluated: 2025-06-19. Review status: criteria provided, single submitter. Criteria: Natera Variant Classification Schema (03/2026). Collection method: clinical testing. Allele origin: germline.
Comment: The c.825G>A variant in SLC22A5 is a nonsense variant predicted to introduce a stop codon at amino acid 275. This variant is expected to result in nonsense mediated decay, truncation, or a dysfunctional protein product. This variant is rare in the general population with a frequency below the threshold expected for the associated phenotype(s). This variant has been observed in one or more individuals affected with the associated recessive disease, as either homozygous or compound heterozygous with a second variant (PMID: 36321377). Given the available evidence, this variant is classified as Pathogenic.

Baylor Genetics
Classification: Pathogenic for Renal carnitine transport defect. Last evaluated: 2023-11-28. Review status: criteria provided, single submitter. Criteria: ACMG Guidelines, 2015. Collection method: clinical testing. Allele origin: unknown.

GeneDx
Classification: Pathogenic. Last evaluated: 2023-05-23. Review status: criteria provided, single submitter. Criteria: GeneDx Variant Classification Process June 2021. Collection method: clinical testing. Allele origin: germline. Affected: yes.
Comment: Nonsense variant predicted to result in protein truncation or nonsense mediated decay in a gene for which loss-of-function is a known mechanism of disease; Not observed at significant frequency in large population cohorts (gnomAD); This variant is associated with the following publications: (PMID: 25525159, 32778825, 15714519, 28711408)

Women's Health and Genetics/Laboratory Corporation of America, LabCorp
Classification: Likely pathogenic for Renal carnitine transport defect. Last evaluated: 2023-02-19. Review status: criteria provided, single submitter. Criteria: LabCorp Variant Classification Summary - May 2015. Collection method: clinical testing. Allele origin: germline.
Comment: Variant summary: SLC22A5 c.825G>A (p.Trp275X) results in a premature termination codon, predicted to cause a truncation of the encoded protein or absence of the protein due to nonsense mediated decay, which are commonly known mechanisms for disease. Truncations downstream of this position have been classified as pathogenic by our laboratory. The variant allele was found at a frequency of 8e-06 in 251484 control chromosomes (gnomAD). c.825G>A has been reported in the literature in individuals affected with Systemic Primary Carnitine Deficiency (examples: Dobrowolski_2005 and Gallant_2017). These data indicate that the variant may be associated with disease. To our knowledge, no experimental evidence demonstrating an impact on protein function has been reported. One clinical diagnostic laboratory has submitted clinical-significance assessments for this variant to ClinVar after 2014 and classified the variant as pathogenic. Based on the evidence outlined above, the variant was classified as likely pathogenic.

Literature cited by the submitters: PubMed 9916797 (cited by Labcorp Genetics (formerly Invitae), Labcorp); PubMed 15714519 (cited by Labcorp Genetics (formerly Invitae), Labcorp and Women's Health and Genetics/Laboratory Corporation of America, LabCorp); PubMed 36321377 (cited by Natera, Inc.); PubMed 28841266 (cited by Women's Health and Genetics/Laboratory Corporation of America, LabCorp); PubMed 28711408 (cited by Women's Health and Genetics/Laboratory Corporation of America, LabCorp); PubMed 32778825 (cited by Women's Health and Genetics/Laboratory Corporation of America, LabCorp).